The following is an entry in ClinVar:

NM_004608.4(TBX6):c.990del (p.Glu332fs)

Gene: TBX6 (T-box transcription factor 6; minus strand). Cytogenetic location: 16p11.2.
Variant type: Deletion.
Coding change: c.990del on transcript NM_004608.4 (MANE Select); coding-DNA position 990, one base deleted (C; older notation c.990delC).
Protein change: p.Glu332fs; shifts the reading frame from glutamic acid 332.
Molecular consequence: frameshift variant.
Genome position (GRCh38, 1-based): chr16:30,086,619, G deleted on the plus strand (C on the coding strand, the reverse complement: TBX6 is on the minus strand); the first of 5 consecutive G bases (chr16:30,086,619-30,086,623); deleting any one gives the same sequence. VCF-style (leftmost placement, unchanged base first): chr16-30086618-CG-C. GRCh37 (hg19) VCF-style: chr16-30097939-CG-C.
Other names: c.990delC (NM_004608.4); short protein forms E332fs.
Identifiers: ClinVar variation 3339290 (VCV003339290.1).
Genomic context (GRCh38, chr16:30,086,618, plus strand): 5'-GGAGGTAGGCCTCAGCACTGGGGCCACCACACAGAGGTGCCGGGGCAGCGGTGGCTTCCC[CG>C]GGGGCTGGGGCCTGTTCTGGATCTGATTCACGAATGTCTCCACCCAGGGTGGAGTCGCAG-3'

ClinVar aggregate classification (germline): Pathogenic (1 of 4 stars; one submission).

Conditions:
Spondylocostal dysostosis 5 (SCDO5). Also called: SCOLIOSIS, CONGENITAL, WITH OR WITHOUT RIB ANOMALIES. Identifiers: MedGen C4083048, MONDO:0007389, OMIM 122600.

Submission:

Women's Health and Genetics/Laboratory Corporation of America, LabCorp
Classification: Pathogenic for Spondylocostal dysostosis 5. Last evaluated: 2024-07-29. Review status: criteria provided, single submitter. Criteria: LabCorp Variant Classification Summary - May 2015. Collection method: clinical testing. Allele origin: germline.
Comment: Variant summary: TBX6 c.990delC (p.Glu332LysfsX166) causes a frameshift which results in an extension of the protein. Two downtream protein extension variants ending at the same termination codon have been reported as associated with disease (c.1061delC p.Ala354GlyfsX144 and c.994delG p.Glu332LysfsX166, both of which was reported in trans with a hypomorphic haplotype T-C-A, PMID 36161696, 35726512).The current variant was absent in 222692 control chromosomes. To our knowledge, no occurrence of c.990delC in individuals affected with Spondylocostal Dysostosis 5 and no experimental evidence demonstrating its impact on protein function have been reported. No submitters have cited clinical-significance assessments for this variant to ClinVar. Based on the evidence outlined above, the variant was classified as pathogenic.